The following is an entry in ClinVar:

ClinVar aggregate classification (germline): Uncertain significance (1 of 4 stars; one submission).

Allele frequency attached by ClinVar (database versions not stated): gnomAD 0.00002; TOPMed 0.00002; 1000 Genomes Project 30x 0.00016; 1000 Genomes Project 0.00020; gnomAD exomes 0.00003; ExAC 0.00004; ESP Exome Variant Server 0.00008.
gnomAD v4.1: 54 of 1,611,926 alleles (0.0034%); highest among the groups gnomAD compares: South Asian, 0.031%; no homozygotes.

Submission:

Labcorp Genetics (formerly Invitae), Labcorp
Classification: Uncertain significance. Last evaluated: 2025-09-14. Review status: criteria provided, single submitter. Criteria: Invitae Variant Classification Sherloc (09022015). Collection method: clinical testing. Allele origin: germline.
Comment: This sequence change replaces arginine, which is basic and polar, with glutamine, which is neutral and polar, at codon 388 of the ANXA11 protein (p.Arg388Gln). This variant is present in population databases (rs372196644, gnomAD 0.03%), and has an allele count higher than expected for a pathogenic variant. This variant has not been reported in the literature in individuals affected with ANXA11-related conditions. ClinVar contains an entry for this variant (Variation ID: 2993813). An algorithm developed to predict the effect of missense changes on protein structure and function (PolyPhen-2) suggests that this variant is likely to be tolerated. In summary, the available evidence is currently insufficient to determine the role of this variant in disease. Therefore, it has been classified as a Variant of Uncertain Significance.

NM_145868.2(ANXA11):c.1163G>A (p.Arg388Gln)

Gene: ANXA11 (annexin A11; minus strand). Cytogenetic location: 10q22.3.
Variant type: single nucleotide variant.
Coding change: c.1163G>A on transcript NM_145868.2 (MANE Select); coding-DNA position 1163, G replaced by A.
Protein change: p.Arg388Gln; replaces arginine 388 with glutamine.
Molecular consequence: missense variant.
Genome position (GRCh38, 1-based): chr10:80,161,952, C>T on the plus strand (G>A on the coding strand, the complement: ANXA11 is on the minus strand). VCF-style: chr10-80161952-C-T. GRCh37 (hg19) VCF-style: chr10-81921708-C-T.
Other names: c.1163G>A, p.Arg388Gln (NM_001157.3, NM_001278407.2, NM_001278408.2 and 1 more transcripts); c.1064G>A, p.Arg355Gln (NM_001278409.2); short protein forms R355Q, R388Q.
Identifiers: ClinVar variation 2993813 (VCV002993813.3), dbSNP rs372196644, ClinGen allele CA5575895.